The following is an entry in ClinVar:

NM_001101426.4(CRPPA):c.17_24dup (p.Ala9fs)

Genes: CRPPA (CDP-L-ribitol pyrophosphorylase A; minus strand), LOC129998005 (ATAC-STARR-seq lymphoblastoid silent region 17982; plus strand). Cytogenetic location: 7p21.2.
Variant type: Duplication.
Coding change: c.17_24dup on transcript NM_001101426.4 (MANE Select); coding-DNA positions 17 to 24, 8 bases duplicated (CGGGCAGC; older notation c.17_24dupCGGGCAGC).
Protein change: p.Ala9fs; shifts the reading frame from alanine 9.
Molecular consequence: frameshift variant. On other transcripts: non-coding transcript variant (1).
Genome position (GRCh38, 1-based): chr7:16,421,299-16,421,306, GCTGCCCG duplicated on the plus strand (CGGGCAGC on the coding strand, the reverse complement: CRPPA is on the minus strand); duplicating any 8 consecutive bases within chr7:16,421,299-16,421,308 gives the same sequence; the c. name uses the placement nearest the transcript's 3' end. VCF-style (leftmost placement, unchanged base first): chr7-16421298-C-CGCTGCCCG. GRCh37 (hg19) VCF-style: chr7-16460923-C-CGCTGCCCG.
Other names: c.17_24dup, p.Ala9fs (NM_001101417.4, NM_001368197.1); short protein forms A9fs.
Identifiers: ClinVar variation 2070304 (VCV002070304.4), dbSNP rs2546759287, ClinGen allele CA2580076891.

ClinVar aggregate classification (germline): Pathogenic (1 of 4 stars; one submission).

Conditions:
Muscular dystrophy-dystroglycanopathy (congenital with brain and eye anomalies), type A, 7. Also called: WALKER-WARBURG SYNDROME OR MUSCLE-EYE-BRAIN DISEASE, ISPD-RELATED; Congenital muscular dystrophy-dystroglycanopathy with brain and eye anomalies, type A7. Identifiers: Orphanet 899, MedGen C3553330, MONDO:0013835, OMIM 614643.
Autosomal recessive limb-girdle muscular dystrophy type 2U. Also called: MUSCULAR DYSTROPHY, LIMB-GIRDLE, TYPE 2U; Muscular dystrophy-dystroglycanopathy (limb-girdle), type c, 7. Identifiers: Orphanet 352479, MedGen C5190987, MONDO:0014474, OMIM 616052.

Submission:

Labcorp Genetics (formerly Invitae), Labcorp
Classification: Pathogenic for Muscular dystrophy-dystroglycanopathy (congenital with brain and eye anomalies), type A, 7; Autosomal recessive limb-girdle muscular dystrophy type 2U. Last evaluated: 2022-03-22. Review status: criteria provided, single submitter. Criteria: Invitae Variant Classification Sherloc (09022015). Collection method: clinical testing. Allele origin: germline.
Comment: This sequence change creates a premature translational stop signal (p.Ala9Argfs*13) in the ISPD gene. It is expected to result in an absent or disrupted protein product. Loss-of-function variants in ISPD are known to be pathogenic (PMID: 23288328). For these reasons, this variant has been classified as Pathogenic. This variant has not been reported in the literature in individuals affected with ISPD-related conditions. This variant is not present in population databases (gnomAD no frequency).

Literature cited by the submitters: PubMed 23288328.